The following is an entry in ClinVar:

ClinVar aggregate classification (germline): Benign/Likely benign. Review status: criteria provided, multiple submitters, no conflicts (2 of 4 stars). 26 submissions from 25 submitters: Benign (11); Likely benign (8). 7 of the submissions do not count toward it. Last evaluated 2026-08-01.

Conditions:
SDHB-related disorder. Also called: SDHB-related condition; SDHB-related disorders. Identifiers: MedGen CN239418.
Carney-Stratakis syndrome. Also called: PARAGANGLIOMA AND GASTROINTESTINAL STROMAL TUMOR. Identifiers: Orphanet 97286, MedGen C1847319, MONDO:0011740, OMIM 606864.
Pheochromocytoma/paraganglioma syndrome 4. Also called: CAROTID BODY TUMORS AND MULTIPLE EXTRAADRENAL PHEOCHROMOCYTOMAS; SDHB-Related Hereditary Paraganglioma-Pheochromocytoma Syndrome (Paragangliomas 4); PARAGANGLIOMA, FAMILIAL MALIGNANT; PARAGANGLIOMAS, HEREDITARY EXTRAADRENAL; PHEOCHROMOCYTOMA, FAMILIAL EXTRAADRENAL; Paragangliomas 4. Identifiers: Orphanet 29072, MedGen C1861848, MONDO:0007273, OMIM 115310.
Gastrointestinal stromal tumor. Also called: Gastrointestinal stromal tumor, somatic; Gastrointestinal stroma tumor. Identifiers: Orphanet 44890, MedGen C0238198, MeSH D046152, MONDO:0011719, OMIM 606764, HP:0100723.
Pheochromocytoma. Also called: MAX-Related Hereditary Paraganglioma-Pheochromocytoma Syndrome. Identifiers: Orphanet 29072, MedGen C0031511, MONDO:0008233, OMIM 171300, HP:0002666.
Mitochondrial complex 2 deficiency, nuclear type 4. Also called: MITOCHONDRIAL COMPLEX II DEFICIENCY, NUCLEAR TYPE 4. Identifiers: MedGen C5543176, MONDO:0030974, OMIM 619224.
Hereditary cancer-predisposing syndrome. Also called: Neoplastic Syndromes, Hereditary; Tumor predisposition; Hereditary neoplastic syndrome; Hereditary Cancer Syndrome. Identifiers: Orphanet 140162, MedGen C0027672, MeSH D009386, MONDO:0015356.
Hereditary pheochromocytoma and paraganglioma. Also called: Hereditary pheochromocytoma-paraganglioma; Hereditary Paraganglioma-Pheochromocytoma Syndromes; Hereditary paragangliomas and pheochromocytomas. Identifiers: Orphanet 29072, MedGen C4274332, MONDO:0017366.

Allele frequency attached by ClinVar (database versions not stated): 1000 Genomes Project 30x 0.00031; 1000 Genomes Project 0.00040; gnomAD exomes 0.00131 and 0.00175; TOPMed 0.00144; ExAC 0.00152; gnomAD 0.00157; ESP Exome Variant Server 0.00246.
gnomAD v4.1: 2,199 of 1,614,126 alleles (0.14%); highest among the groups gnomAD compares: Middle Eastern, 0.13%; 8 homozygotes.

Submissions (26):

CeGaT Center for Human Genetics Tuebingen
Classification: Likely benign. Last evaluated: 2026-08-01. Review status: criteria provided, single submitter. Criteria: CeGaT Center For Human Genetics Tuebingen Variant Classification Criteria Version 2. Collection method: clinical testing. Allele origin: germline. Affected: yes. Observed: 84 variant alleles.
Comment: SDHB: BP4, BP7

Labcorp Genetics (formerly Invitae), Labcorp
Classification: Benign for Gastrointestinal stromal tumor; Pheochromocytoma/paraganglioma syndrome 4; Pheochromocytoma. Last evaluated: 2026-02-03. Review status: criteria provided, single submitter. Criteria: Invitae Variant Classification Sherloc (09022015). Collection method: clinical testing. Allele origin: germline.

Myriad Genetics, Inc.
Classification: Benign for Pheochromocytoma/paraganglioma syndrome 4. Last evaluated: 2025-03-12. Review status: criteria provided, single submitter. Criteria: Myriad Autosomal Dominant, Autosomal Recessive and X-Linked Classification Criteria (2023). Collection method: clinical testing. Allele origin: unknown.
Comment: This variant is considered benign. This variant is a silent/synonymous amino acid change and it is not expected to impact splicing.

Center for Genomic Medicine, Rigshospitalet, Copenhagen University Hospital
Classification: Likely benign. Last evaluated: 2025-03-04. Review status: criteria provided, single submitter. Criteria: ACMG Guidelines, 2015. Collection method: clinical testing. Allele origin: germline.

Department of Clinical Genetics, Copenhagen University Hospital, Rigshospitalet
Classification: Benign for Hereditary pheochromocytoma and paraganglioma. Last evaluated: 2025-01-24. Review status: criteria provided, single submitter. Criteria: ACMG Guidelines, 2015. Collection method: clinical testing. Allele origin: germline.
Comment: The following ACMG criteria have been used in classification: BA1; BP4; BP7

Blueprint Genetics
Classification: Likely benign. Last evaluated: 2024-11-21. Review status: criteria provided, single submitter. Criteria: ACMG Guidelines, 2015. Collection method: clinical testing. Allele origin: germline.

ARUP Laboratories, Molecular Genetics and Genomics, ARUP Laboratories
Classification: Benign. Last evaluated: 2023-11-13. Review status: criteria provided, single submitter. Criteria: ARUP Molecular Germline Variant Investigation Process 2024. Collection method: clinical testing. Allele origin: germline.

KCCC/NGS Laboratory, Kuwait Cancer Control Center
Classification: Benign for Pheochromocytoma/paraganglioma syndrome 4. Last evaluated: 2023-07-07. Review status: criteria provided, single submitter. Criteria: ACMG Guidelines, 2015. Collection method: clinical testing. Allele origin: germline. Affected: yes.

Women's Health and Genetics/Laboratory Corporation of America, LabCorp
Classification: Benign. Last evaluated: 2022-12-26. Review status: criteria provided, single submitter. Criteria: LabCorp Variant Classification Summary - May 2015. Collection method: clinical testing. Allele origin: germline.

Color Diagnostics, LLC DBA Color Health
Classification: Benign for Hereditary pheochromocytoma and paraganglioma. Last evaluated: 2022-09-20. Review status: criteria provided, single submitter. Criteria: ACMG Guidelines, 2015. Collection method: clinical testing. Allele origin: germline.

Fulgent Genetics
Classification: Likely benign for Pheochromocytoma/paraganglioma syndrome 4; Pheochromocytoma; Gastrointestinal stromal tumor; Carney-Stratakis syndrome; Mitochondrial complex 2 deficiency, nuclear type 4. Last evaluated: 2022-05-24. Review status: criteria provided, single submitter. Criteria: ACMG Guidelines, 2015. Collection method: clinical testing. Allele origin: unknown.

Department of Pathology and Laboratory Medicine, Sinai Health System
Classification: Benign for Gastrointestinal stromal tumor. Last evaluated: 2021-07-21. Review status: criteria provided, single submitter. Criteria: ACMG Guidelines, 2015. Collection method: clinical testing. Allele origin: germline. Affected: yes.

Genetic Services Laboratory, University of Chicago
Classification: Benign. Last evaluated: 2019-03-28. Review status: criteria provided, single submitter. Criteria: ACMG Guidelines, 2015. Collection method: clinical testing. Allele origin: germline. Affected: no.

Illumina Laboratory Services, Illumina
Classification: Likely benign for Carney-Stratakis syndrome. Last evaluated: 2019-01-28. Review status: criteria provided, single submitter. Criteria: ICSL Variant Classification Criteria 13 December 2019. Collection method: clinical testing. Allele origin: germline.
Comment: This variant was observed as part of a predisposition screen in an ostensibly healthy population. A literature search was performed for the gene, cDNA change, and amino acid change (where applicable). Publications were found based on this search. The evidence from the literature, in combination with allele frequency data from public databases where available, was sufficient to determine this variant is unlikely to cause disease. Therefore, this variant is classified as likely benign.

Illumina Laboratory Services, Illumina
Classification: Likely benign for Hereditary Paraganglioma-Pheochromocytoma Syndromes. Last evaluated: 2019-01-28. Review status: criteria provided, single submitter. Criteria: ICSL Variant Classification Criteria 13 December 2019. Collection method: clinical testing. Allele origin: germline.
Comment: the same text as in the submission from Illumina Laboratory Services, Illumina above.

GeneDx
Classification: Benign. Last evaluated: 2018-05-16. Review status: criteria provided, single submitter. Criteria: GeneDx Variant Classification Process June 2021. Collection method: clinical testing. Allele origin: germline. Affected: yes.
Comment: This variant is associated with the following publications: (PMID: 27279923, 17848412, 19768395, 19215943, 16912137, 28748451)

Ambry Genetics
Classification: Likely benign for Hereditary cancer-predisposing syndrome. Last evaluated: 2014-09-04. Review status: criteria provided, single submitter. Criteria: Ambry Variant Classification Scheme 2023. Collection method: clinical testing. Allele origin: germline.

Laboratory for Molecular Medicine, Mass General Brigham Personalized Medicine
Classification: Benign. Last evaluated: 2013-08-01. Review status: criteria provided, single submitter. Criteria: LMM Criteria. Collection method: clinical testing. Allele origin: germline. Observed: 2 variant alleles.
Comment: Ser100Ser in exon 4 of SDHB: This variant is not expected to have clinical signi ficance because it has been identified in 0.4% (31/8600) of European American ch romosomes by the NHLBI Exome Sequencing Project (S/; dbSNP rs11541235).

Breakthrough Genomics
Classification: Likely benign. Review status: criteria provided, single submitter. Criteria: ACMG Guidelines, 2015. Collection method: not provided. Allele origin: germline. Inheritance: Autosomal recessive inheritance. Affected: yes.

PreventionGenetics, part of Exact Sciences
Classification: Benign for SDHB-related condition. Last evaluated: 2019-04-17. Review status: no assertion criteria provided. Collection method: clinical testing. Allele origin: germline. Not counted in ClinVar's aggregate classification.
Comment: This variant is classified as benign based on ACMG/AMP sequence variant interpretation guidelines (Richards et al. 2015 PMID: 25741868, with internal and published modifications).

Clinical Genetics DNA and cytogenetics Diagnostics Lab, Erasmus MC, Erasmus Medical Center
Classification: Likely benign. Review status: no assertion criteria provided. Collection method: clinical testing. Allele origin: germline. Affected: yes. Study: VKGL Data-share Consensus. Not counted in ClinVar's aggregate classification.

Diagnostic Laboratory, Department of Genetics, University Medical Center Groningen
Classification: Likely benign. Review status: no assertion criteria provided. Collection method: clinical testing. Allele origin: germline. Affected: yes. Study: VKGL Data-share Consensus. Not counted in ClinVar's aggregate classification.

Genome Diagnostics Laboratory, Amsterdam University Medical Center
Classification: Likely benign. Review status: no assertion criteria provided. Collection method: clinical testing. Allele origin: germline. Affected: yes. Study: VKGL Data-share Consensus. Not counted in ClinVar's aggregate classification.

Genome Diagnostics Laboratory, University Medical Center Utrecht
Classification: Benign. Review status: no assertion criteria provided. Collection method: clinical testing. Allele origin: germline. Affected: yes. Study: VKGL Data-share Consensus. Not counted in ClinVar's aggregate classification.

Joint Genome Diagnostic Labs from Nijmegen and Maastricht, Radboudumc and MUMC+
Classification: Benign. Review status: no assertion criteria provided. Collection method: clinical testing. Allele origin: germline. Affected: yes. Study: VKGL Data-share Consensus. Not counted in ClinVar's aggregate classification.

Laboratory of Diagnostic Genome Analysis, Leiden University Medical Center (LUMC)
Classification: Likely benign. Review status: no assertion criteria provided. Collection method: clinical testing. Allele origin: germline. Affected: yes. Study: VKGL Data-share Consensus. Not counted in ClinVar's aggregate classification.

Literature cited by the submitters: PubMed 27279923 (cited by Department of Clinical Genetics, Copenhagen University Hospital, Rigshospitalet); PubMed 17848412 (cited by Illumina Laboratory Services, Illumina); PubMed 19215943 (cited by Illumina Laboratory Services, Illumina); PubMed 16912137 (cited by Illumina Laboratory Services, Illumina).

NM_003000.3(SDHB):c.300T>C (p.Ser100=)

Gene: SDHB (succinate dehydrogenase complex iron sulfur subunit B; minus strand). Cytogenetic location: 1p36.13.
Variant type: single nucleotide variant.
Coding change: c.300T>C on transcript NM_003000.3 (MANE Select); coding-DNA position 300, T replaced by C.
Protein change: p.Ser100=; no amino-acid change (serine 100 retained).
Molecular consequence: synonymous variant.
Genome position (GRCh38, 1-based): chr1:17,028,723, A>G on the plus strand (T>C on the coding strand, the complement: SDHB is on the minus strand). VCF-style: chr1-17028723-A-G. GRCh37 (hg19) VCF-style: chr1-17355218-A-G.
Identifiers: ClinVar variation 165179 (VCV000165179.91), dbSNP rs11541235, ClinGen allele CA015729.
Genomic context (GRCh38, chr1:17,028,723, plus strand): 5'-GTTGGTGTCAATCCTTCGGGTGCAAGCTAGAGTGTTGCCTCCATTGATGTTCATTGCACA[A>G]GAGCCACAGATGCCTGAAAGAGACACACATTTAACACATCCTCACCCATATCCGGAATCA-3'
Protein context (NP_002991.2, residues 90-110): RRSCREGICG[Ser100=]CAMNINGGNT